The following is an entry in ClinVar:

ClinVar aggregate classification (germline): Uncertain significance (1 of 4 stars; one submission).

Submission:

Labcorp Genetics (formerly Invitae), Labcorp
Classification: Uncertain significance. Last evaluated: 2023-10-11. Review status: criteria provided, single submitter. Criteria: Invitae Variant Classification Sherloc (09022015). Collection method: clinical testing. Allele origin: germline.
Comment: This variant is a gross deletion of the genomic region encompassing exon(s) 2-3 of the AGAP1 gene. This variant would be expected to be in-frame, preserving the integrity of the reading frame. This variant has not been reported in the literature in individuals affected with AGAP1-related conditions. Experimental studies and prediction algorithms are not available or were not evaluated, and the functional significance of this variant is currently unknown. In summary, the available evidence is currently insufficient to determine the role of this variant in disease. Therefore, it has been classified as a Variant of Uncertain Significance.

NC_000002.11:g.(?_236617803)_(236626308_?)del

Gene: AGAP1 (ArfGAP with GTPase domain, ankyrin repeat and PH domain 1; plus strand). Cytogenetic location: 2q37.2.
Variant type: Deletion.
Identifiers: ClinVar variation 2426000 (VCV002426000.4).